The following is an entry in ClinVar:

ClinVar aggregate classification (germline): Pathogenic. Review status: criteria provided, multiple submitters, no conflicts (2 of 4 stars). 2 submissions from 2 submitters: Pathogenic (2). Last evaluated 2023-04-15.

Conditions:
Hereditary pulmonary alveolar proteinosis. Also called: Pulmonary surfactant metabolism dysfunction. Identifiers: Orphanet 264675, MedGen C3711368, MONDO:0012580.

Submissions (2):

Labcorp Genetics (formerly Invitae), Labcorp
Classification: Pathogenic. Last evaluated: 2023-04-15. Review status: criteria provided, single submitter. Criteria: Invitae Variant Classification Sherloc (09022015). Collection method: clinical testing. Allele origin: germline.
Comment: For these reasons, this variant has been classified as Pathogenic. ClinVar contains an entry for this variant (Variation ID: 1068619). This premature translational stop signal has been observed in individual(s) with pulmonary alveolar proteinosis (PMID: 16641205). This variant is present in population databases (no rsID available, gnomAD 0.004%). This sequence change creates a premature translational stop signal (p.Ser577Hisfs*19) in the ABCA3 gene. It is expected to result in an absent or disrupted protein product. Loss-of-function variants in ABCA3 are known to be pathogenic (PMID: 27516224).

Ambry Genetics
Classification: Pathogenic for Hereditary pulmonary alveolar proteinosis. Last evaluated: 2017-07-24. Review status: criteria provided, single submitter. Criteria: Ambry Variant Classification Scheme 2023. Collection method: clinical testing. Allele origin: germline.
Comment: The c.1729_1730delTC mutation, located in coding exon 11 of the ABCA3 gene, results from a deletion of two nucleotides at nucleotide positions 1729 to 1730, causing a translational frameshift with a predicted alternate stop codon (p.S577Hfs*19). This mutation was reported in an infant with pulmonary alveolar proteinosis in conjunction with two additional ABCA3 alterations (Garmany TH et al. Pediatr. Res., 2006 Jun;59:801-5). In addition to the clinical data presented in the literature, this alteration is expected to result in loss of function by premature protein truncation or nonsense-mediated mRNA decay. As such, this alteration is interpreted as a disease-causing mutation.

Literature cited by the submitters: PubMed 16641205 (cited by Labcorp Genetics (formerly Invitae), Labcorp and Ambry Genetics); PubMed 27516224 (cited by Labcorp Genetics (formerly Invitae), Labcorp).

NM_001089.3(ABCA3):c.1729_1730del (p.Ser577fs)

Gene: ABCA3 (ATP binding cassette subfamily A member 3; minus strand). Cytogenetic location: 16p13.3.
Variant type: Microsatellite.
Coding change: c.1729_1730del on transcript NM_001089.3 (MANE Select); coding-DNA positions 1729 to 1730, 2 bases deleted (TC; older notation c.1729_1730delTC).
Protein change: p.Ser577fs; shifts the reading frame from serine 577.
Molecular consequence: frameshift variant.
Genome position (GRCh38, 1-based): chr16:2,299,414-2,299,415, GA deleted on the plus strand (TC on the coding strand, the reverse complement: ABCA3 is on the minus strand); deleting any 2 consecutive bases within chr16:2,299,414-2,299,418 gives the same sequence; the c. name uses the placement nearest the transcript's 3' end. VCF-style (leftmost placement, unchanged base first): chr16-2299413-GGA-G. GRCh37 (hg19) VCF-style: chr16-2349414-GGA-G.
Other names: short protein forms S577fs.
Identifiers: ClinVar variation 1068619 (VCV001068619.11), dbSNP rs1052598974, ClinGen allele CA276830079.
Genomic context (GRCh38, chr16:2,299,413, plus strand): 5'-GTTAAAGGGGGGCCTGCTGGTGGCAGGGGCGTGAGGCGCCTGGCCCTCACCTGTGAGCAT[GGA>G]GAGGGTGGTGGTCTTCCCGGCACCGTTGTGGCCCAGCAGGACGGTGATCTGTCCCTCGTA-3'